The following is an entry in ClinVar:

ClinVar aggregate classification (germline): Uncertain significance (1 of 4 stars; one submission).

Conditions:
Leber congenital amaurosis 9 (LCA9). Also called: LCA9 Leber Congenital Amaurosis; LCA 9; Amaurosis congenita of Leber, type 9. Identifiers: Orphanet 65, MedGen C1837873, MONDO:0012056, OMIM 608553.

Submission:

Labcorp Genetics (formerly Invitae), Labcorp
Classification: Uncertain significance for Leber congenital amaurosis 9. Last evaluated: 2024-11-05. Review status: criteria provided, single submitter. Criteria: Invitae Variant Classification Sherloc (09022015). Collection method: clinical testing. Allele origin: germline.
Comment: This sequence change replaces glutamic acid, which is acidic and polar, with lysine, which is basic and polar, at codon 131 of the NMNAT1 protein (p.Glu131Lys). This variant is not present in population databases (gnomAD no frequency). This variant has not been reported in the literature in individuals affected with NMNAT1-related conditions. ClinVar contains an entry for this variant (Variation ID: 1399954). An algorithm developed to predict the effect of missense changes on protein structure and function (PolyPhen-2) suggests that this variant¬†is likely to be tolerated. In summary, the available evidence is currently insufficient to determine the role of this variant in disease. Therefore, it has been classified as a Variant of Uncertain Significance.

NM_022787.4(NMNAT1):c.391G>A (p.Glu131Lys)

Gene: NMNAT1 (nicotinamide nucleotide adenylyltransferase 1; plus strand). Cytogenetic location: 1p36.22.
Variant type: single nucleotide variant.
Coding change: c.391G>A on transcript NM_022787.4 (MANE Select); coding-DNA position 391, G replaced by A.
Protein change: p.Glu131Lys; replaces glutamic acid 131 with lysine.
Molecular consequence: missense variant.
Genome position (GRCh38, 1-based): chr1:9,981,122, G>A. VCF-style: chr1-9981122-G-A. GRCh37 (hg19) VCF-style: chr1-10041180-G-A.
Other names: c.391G>A, p.Glu131Lys (NM_001297778.1, NM_001297779.2); short protein forms E131K.
Identifiers: ClinVar variation 1399954 (VCV001399954.5), dbSNP rs1033800829, ClinGen allele CA18239037.